The following is an entry in ClinVar:

ClinVar aggregate classification (germline): Uncertain significance. Review status: criteria provided, multiple submitters, no conflicts (2 of 4 stars). 2 submissions from 2 submitters: Uncertain significance (2). Last evaluated 2025-11-05.

Conditions:
Inborn genetic diseases. Identifiers: MedGen C0950123, MeSH D030342.

Allele frequency attached by ClinVar (database versions not stated): gnomAD exomes below 0.00001; gnomAD 0.00001; TOPMed 0.00001.
gnomAD v4.1: 7 of 1,613,818 alleles (0.00043%); highest among the groups gnomAD compares: African/African-American, 0.0027%; no homozygotes.

Submissions (2):

Ambry Genetics
Classification: Uncertain significance for Inborn genetic diseases. Last evaluated: 2025-11-05. Review status: criteria provided, single submitter. Criteria: Ambry Variant Classification Scheme 2023. Collection method: clinical testing. Allele origin: germline.

Labcorp Genetics (formerly Invitae), Labcorp
Classification: Uncertain significance. Last evaluated: 2024-10-23. Review status: criteria provided, single submitter. Criteria: Invitae Variant Classification Sherloc (09022015). Collection method: clinical testing. Allele origin: germline.
Comment: This sequence change replaces aspartic acid, which is acidic and polar, with asparagine, which is neutral and polar, at codon 2133 of the CDH23 protein (p.Asp2133Asn). This variant is present in population databases (no rsID available, gnomAD 0.0009%). This variant has not been reported in the literature in individuals affected with CDH23-related conditions. ClinVar contains an entry for this variant (Variation ID: 2415857). Invitae Evidence Modeling of protein sequence and biophysical properties (such as structural, functional, and spatial information, amino acid conservation, physicochemical variation, residue mobility, and thermodynamic stability) has been performed for this missense variant. However, the output from this modeling did not meet the statistical confidence thresholds required to predict the impact of this variant on CDH23 protein function. In summary, the available evidence is currently insufficient to determine the role of this variant in disease. Therefore, it has been classified as a Variant of Uncertain Significance.

NM_022124.6(CDH23):c.6397G>A (p.Asp2133Asn)

Gene: CDH23 (cadherin related 23; plus strand). Cytogenetic location: 10q22.1.
Variant type: single nucleotide variant.
Coding change: c.6397G>A on transcript NM_022124.6 (MANE Select); coding-DNA position 6397, G replaced by A.
Protein change: p.Asp2133Asn; replaces aspartic acid 2133 with asparagine.
Molecular consequence: missense variant.
Genome position (GRCh38, 1-based): chr10:71,793,325, G>A. VCF-style: chr10-71793325-G-A. GRCh37 (hg19) VCF-style: chr10-73553082-G-A.
Other names: c.6397G>A (NM_022124.5); short protein forms D2133N.
Identifiers: ClinVar variation 2415857 (VCV002415857.6), dbSNP rs896709276, ClinGen allele CA209466072.
Genomic context (GRCh38, chr10:71,793,325, plus strand): 5'-CAGGACCGCTTCCTCATTCATCTGGTCACCGGGGTCATCCGTGTTGGTAATGCCACCATC[G>A]ACAGAGAGGAGCAGGAGTCCTACAGGCTAACGGTGGTGGCCACCGACCGGGGCACCGTTC-3'
Protein context (NP_071407.4, residues 2123-2143): GVIRVGNATI[Asp2133Asn]REEQESYRLT